The following is an entry in ClinVar:

ClinVar aggregate classification (germline): Conflicting classifications of pathogenicity. Review status: criteria provided, conflicting classifications (1 of 4 stars). 7 submissions from 7 submitters: Uncertain significance (4); Likely benign (1). 2 of the submissions do not count toward it. Last evaluated 2026-01-14.

Conditions:
Dilated cardiomyopathy 1AA (CMD1AA). Also called: CARDIOMYOPATHY, DILATED, 1AA, WITH OR WITHOUT LEFT VENTRICULAR NONCOMPACTION; CARDIOMYOPATHY, FAMILIAL HYPERTROPHIC, 23, WITH OR WITHOUT LEFT VENTRICULAR NONCOMPACTION; Cardiomyopathy, dilated, 1AA, with or without LVNC. Identifiers: Orphanet 154, MedGen C2677338, MONDO:0012808, OMIM 612158.
Myopathy, congenital, with structured cores and z-line abnormalities. Also called: MULTIPLE STRUCTURED CORE DISEASE; CONGENITAL MYOPATHY 8. Identifiers: MedGen C5231445, MONDO:0032852, OMIM 618654.
Myopathy, distal, 6, adult-onset, autosomal dominant. Identifiers: MedGen C5203349, MONDO:0032853, OMIM 618655.
Primary familial hypertrophic cardiomyopathy (HCM). Identifiers: Orphanet 99739, MedGen C0949658, MeSH D024741, MONDO:0024573. Inheritance: Various modes of inheritance.
Cardiovascular phenotype. Identifiers: MedGen CN230736.

Allele frequency attached by ClinVar (database versions not stated): gnomAD exomes 0.00003; TOPMed 0.00003; ExAC 0.00005; ESP Exome Variant Server 0.00008.
gnomAD v4.1: 25 of 1,614,050 alleles (0.0015%); highest among the groups gnomAD compares: South Asian, 0.0099%; no homozygotes.

Submissions (7):

Labcorp Genetics (formerly Invitae), Labcorp
Classification: Likely benign for Primary familial hypertrophic cardiomyopathy; Dilated cardiomyopathy 1AA. Last evaluated: 2026-01-14. Review status: criteria provided, single submitter. Criteria: Invitae Variant Classification Sherloc (09022015). Collection method: clinical testing. Allele origin: germline.

Ambry Genetics
Classification: Uncertain significance for Cardiovascular phenotype. Last evaluated: 2025-08-24. Review status: criteria provided, single submitter. Criteria: Ambry Variant Classification Scheme 2023. Collection method: clinical testing. Allele origin: germline.
Comment: The p.R662W variant (also known as c.1984C>T), located in coding exon 17 of the ACTN2 gene, results from a C to T substitution at nucleotide position 1984. The arginine at codon 662 is replaced by tryptophan, an amino acid with dissimilar properties. This alteration has been reported in a sudden unexplained death cohort and a pediatric dilated cardiomyopathy cohort (Sanchez O et al. PLoS One, 2016 Dec;11:e0167358; Khan RS et al. J Am Heart Assoc, 2022 01;11:e022854). This amino acid position is well conserved in available vertebrate species. In addition, this alteration is predicted to be tolerated by in silico analysis. Since supporting evidence is limited at this time, the clinical significance of this alteration remains unclear.

Blueprint Genetics
Classification: Uncertain significance. Last evaluated: 2023-04-25. Review status: criteria provided, single submitter. Criteria: ACMG Guidelines, 2015. Collection method: clinical testing. Allele origin: germline.

Fulgent Genetics
Classification: Uncertain significance for Dilated cardiomyopathy 1AA; Myopathy, congenital, with structured cores and z-line abnormalities; Myopathy, distal, 6, adult-onset, autosomal dominant. Last evaluated: 2021-08-30. Review status: criteria provided, single submitter. Criteria: ACMG Guidelines, 2015. Collection method: clinical testing. Allele origin: unknown.

GeneDx
Classification: Uncertain significance. Last evaluated: 2016-12-14. Review status: criteria provided, single submitter. Criteria: GeneDx Variant Classification (06012015). Collection method: clinical testing. Allele origin: germline. Affected: yes.
Comment: A variant of uncertain significance has been identified in the ACTN2 gene. The R662W variant has not been published as a pathogenic variant or been reported as a benign variant to our knowledge. This variant was not observed with any significant frequency in either the Exome Aggregation Consortium or in approximately 6,500 individuals of European and African American ancestry in the NHLBI Exome Sequencing Project, indicating it is not a common benign variant in these populations. The R662W variant is a non-conservative amino acid substitution, which is likely to impact secondary protein structure as these residues differ in polarity, charge, size and/or other properties. Although this substitution occurs at a position where amino acids with similar properties to Arginine are tolerated across species, in silico analysis predicts this variant is probably damaging to the protein structure/function. Nevertheless, no missense variants in nearby residues have been reported in the Human Gene Mutation Database in association with cardiomyopathy (Stenson et al., 2014).Therefore, based on the currently available information, it is unclear whether this variant is pathogenic or benign. This result cannot be interpreted for diagnosis or used for family member screening at this time.

Clinical Genetics DNA and cytogenetics Diagnostics Lab, Erasmus MC, Erasmus Medical Center
Classification: Uncertain significance. Review status: no assertion criteria provided. Collection method: clinical testing. Allele origin: germline. Affected: yes. Study: VKGL Data-share Consensus. Not counted in ClinVar's aggregate classification.

Genome Diagnostics Laboratory, University Medical Center Utrecht
Classification: Uncertain significance. Review status: no assertion criteria provided. Collection method: clinical testing. Allele origin: germline. Affected: yes. Study: VKGL Data-share Consensus. Not counted in ClinVar's aggregate classification.

Literature cited by the submitters: PubMed 27930701 (cited by Ambry Genetics); PubMed 34935411 (cited by Ambry Genetics).

NM_001103.4(ACTN2):c.1984C>T (p.Arg662Trp)

Gene: ACTN2 (actinin alpha 2; plus strand). Cytogenetic location: 1q43.
Variant type: single nucleotide variant.
Coding change: c.1984C>T on transcript NM_001103.4 (MANE Select); coding-DNA position 1984, C replaced by T.
Protein change: p.Arg662Trp; replaces arginine 662 with tryptophan.
Molecular consequence: missense variant.
Genome position (GRCh38, 1-based): chr1:236,755,028, C>T. VCF-style: chr1-236755028-C-T. GRCh37 (hg19) VCF-style: chr1-236918328-C-T.
Other names: c.1984C>T, p.Arg662Trp (NM_001278343.2); c.1360C>T, p.Arg454Trp (NM_001278344.2); short protein forms R662W, R454W.
Identifiers: ClinVar variation 373800 (VCV000373800.17), dbSNP rs150021739, ClinGen allele CA1473324.